The following is an entry in ClinVar:

ClinVar aggregate classification (germline): Uncertain significance (1 of 4 stars; one submission).

Conditions:
Familial melanoma. Also called: Hereditary melanoma; Hereditary cutaneous melanoma. Identifiers: Orphanet 618, MedGen C1512419, MONDO:0018961.

Submission:

Labcorp Genetics (formerly Invitae), Labcorp
Classification: Uncertain significance for Familial melanoma. Last evaluated: 2025-07-18. Review status: criteria provided, single submitter. Criteria: Invitae Variant Classification Sherloc (09022015). Collection method: clinical testing. Allele origin: germline.
Comment: This sequence change replaces isoleucine, which is neutral and non-polar, with leucine, which is neutral and non-polar, at codon 284 of the CDK4 protein (p.Ile284Leu). This variant is not present in population databases (gnomAD no frequency). This variant has not been reported in the literature in individuals affected with CDK4-related conditions. Invitae Evidence Modeling of protein sequence and biophysical properties (such as structural, functional, and spatial information, amino acid conservation, physicochemical variation, residue mobility, and thermodynamic stability) indicates that this missense variant is not expected to disrupt CDK4 protein function with a negative predictive value of 95%. In summary, the available evidence is currently insufficient to determine the role of this variant in disease. Therefore, it has been classified as a Variant of Uncertain Significance.

NM_000075.4(CDK4):c.850A>C (p.Ile284Leu)

Genes: CDK4 (cyclin dependent kinase 4; minus strand), TSPAN31 (tetraspanin 31; plus strand). Cytogenetic location: 12q14.1.
Variant type: single nucleotide variant.
Coding change: c.850A>C on transcript NM_000075.4 (MANE Select); coding-DNA position 850, A replaced by C.
Protein change: p.Ile284Leu; replaces isoleucine 284 with leucine.
Molecular consequence: missense variant. On other transcripts: 3 prime UTR variant (3).
Genome position (GRCh38, 1-based): chr12:57,748,587, T>G on the plus strand (A>C on the coding strand, the complement: CDK4 is on the minus strand). VCF-style: chr12-57748587-T-G. GRCh37 (hg19) VCF-style: chr12-58142370-T-G.
Other names: c.*1297T>G (NM_001330168.2, NM_001330169.2, NM_005981.5); short protein forms I284L.
Identifiers: ClinVar variation 4803054 (VCV004803054.1).
Genomic context (GRCh38, chr12:57,748,587, plus strand): 5'-ACTCCGGATTACCTTCATCCTTATGTAGATAAGAGTGCTGCAGAGCTCGAAAGGCAGAGA[T>G]TCGCTTGTGTGGGTTAAAAGTCAGCATTTCCTGAGGGGAGAGGCAAAGGTCAGAAAACCA-3'
Protein context (NP_000066.1, residues 274-294): EMLTFNPHKR[Ile284Leu]SAFRALQHSY